The following is an entry in ClinVar:

NM_000160.5(GCGR):c.1237C>T (p.Arg413Trp)

Gene: GCGR (glucagon receptor; plus strand). Cytogenetic location: 17q25.3.
Variant type: single nucleotide variant.
Coding change: c.1237C>T on transcript NM_000160.5 (MANE Select); coding-DNA position 1237, C replaced by T.
Protein change: p.Arg413Trp; replaces arginine 413 with tryptophan.
Molecular consequence: missense variant.
Genome position (GRCh38, 1-based): chr17:81,813,492, C>T. VCF-style: chr17-81813492-C-T. GRCh37 (hg19) VCF-style: chr17-79771368-C-T.
Other names: short protein forms R413W.
Identifiers: ClinVar variation 2750754 (VCV002750754.3), dbSNP rs757894502, ClinGen allele CA8842222.

ClinVar aggregate classification (germline): Uncertain significance (1 of 4 stars; one submission).

Allele frequency attached by ClinVar (database versions not stated): gnomAD exomes 0.00002; TOPMed 0.00008; gnomAD 0.00025; ExAC 0.00026.
gnomAD v4.1: 102 of 1,535,202 alleles (0.0066%); highest among the groups gnomAD compares: Admixed American, 0.073%; 8 homozygotes.

Submission:

Labcorp Genetics (formerly Invitae), Labcorp
Classification: Uncertain significance. Last evaluated: 2024-08-12. Review status: criteria provided, single submitter. Criteria: Invitae Variant Classification Sherloc (09022015). Collection method: clinical testing. Allele origin: germline.
Comment: This sequence change replaces arginine, which is basic and polar, with tryptophan, which is neutral and slightly polar, at codon 413 of the GCGR protein (p.Arg413Trp). This variant is present in population databases (rs757894502, gnomAD 0.03%). This variant has not been reported in the literature in individuals affected with GCGR-related conditions. An algorithm developed to predict the effect of missense changes on protein structure and function (PolyPhen-2) suggests that this variant is likely to be disruptive. In summary, the available evidence is currently insufficient to determine the role of this variant in disease. Therefore, it has been classified as a Variant of Uncertain Significance.